The following is an entry in ClinVar:

ClinVar aggregate classification (germline): Uncertain significance (1 of 4 stars; one submission).

Conditions:
Tumor predisposition syndrome 3 (TPDS3). Also called: LONG TELOMERE SYNDROME, POT1-RELATED; POT1 Tumor Predisposition; Glioma susceptibility 9; Melanoma, cutaneous malignant, susceptibility to, 10. Identifiers: Orphanet 618, MedGen C4014476, MONDO:0014368, OMIM 615848.

Submission:

Labcorp Genetics (formerly Invitae), Labcorp
Classification: Uncertain significance for Tumor predisposition syndrome 3. Last evaluated: 2023-12-30. Review status: criteria provided, single submitter. Criteria: Invitae Variant Classification Sherloc (09022015). Collection method: clinical testing. Allele origin: germline.
Comment: This sequence change falls in intron 9 of the POT1 gene. It does not directly change the encoded amino acid sequence of the POT1 protein. It affects a nucleotide within the consensus splice site. This variant is not present in population databases (gnomAD no frequency). This variant has not been reported in the literature in individuals affected with POT1-related conditions. ClinVar contains an entry for this variant (Variation ID: 1435626). Variants that disrupt the consensus splice site are a relatively common cause of aberrant splicing (PMID: 17576681, 9536098). Algorithms developed to predict the effect of sequence changes on RNA splicing suggest that this variant is not likely to affect RNA splicing. In summary, the available evidence is currently insufficient to determine the role of this variant in disease. Therefore, it has been classified as a Variant of Uncertain Significance.

Literature cited by the submitters: PubMed 17576681; PubMed 9536098.

NM_015450.3(POT1):c.702+6G>A

Gene: POT1 (protection of telomeres 1; minus strand). Cytogenetic location: 7q31.33.
Variant type: single nucleotide variant.
Coding change: c.702+6G>A on transcript NM_015450.3 (MANE Select); 6 bases into the intron after coding-DNA position 702, G replaced by A.
Molecular consequence: intron variant.
Genome position (GRCh38, 1-based): chr7:124,858,951, C>T on the plus strand (G>A on the coding strand, the complement: POT1 is on the minus strand). VCF-style: chr7-124858951-C-T. GRCh37 (hg19) VCF-style: chr7-124499005-C-T.
Other names: c.309+6G>A (NM_001042594.2).
Identifiers: ClinVar variation 1435626 (VCV001435626.7), dbSNP rs1795513966, ClinGen allele CA369055937.